The following is an entry in ClinVar:

NC_000005.9:g.(?_94800311)_(94882854_?)dup

Gene: SKIC3 (SKI3 subunit of superkiller complex; minus strand). Cytogenetic location: 5q15.
Variant type: Duplication.
Identifiers: ClinVar variation 2425960 (VCV002425960.3).

ClinVar aggregate classification (germline): Uncertain significance (1 of 4 stars; one submission).

Submission:

Labcorp Genetics (formerly Invitae), Labcorp
Classification: Uncertain significance. Last evaluated: 2022-08-17. Review status: criteria provided, single submitter. Criteria: Invitae Variant Classification Sherloc (09022015). Collection method: clinical testing. Allele origin: germline.
Comment: A copy number gain of the genomic region encompassing the full coding sequence of the TTC37 gene has been identified. The boundaries of this event are unknown as they extend beyond the assayed region for this gene and therefore may encompass additional genes. As the precise location of this event is unknown, it may be in tandem or it may be located elsewhere in the genome. This variant has not been reported in the literature in individuals affected with TTC37-related conditions. In summary, the available evidence is currently insufficient to determine the role of this variant in disease. Therefore, it has been classified as a Variant of Uncertain Significance.